The following is an entry in ClinVar:

NM_001005242.3(PKP2):c.2511C>A (p.Asp837Glu)

Gene: PKP2 (plakophilin 2; minus strand). Cytogenetic location: 12p11.21.
Variant type: single nucleotide variant.
Coding change: c.2511C>A on transcript NM_001005242.3 (MANE Select); coding-DNA position 2511, C replaced by A.
Protein change: p.Asp837Glu; replaces aspartic acid 837 with glutamic acid.
Molecular consequence: missense variant.
Genome position (GRCh38, 1-based): chr12:32,792,427, G>T on the plus strand (C>A on the coding strand, the complement: PKP2 is on the minus strand). VCF-style: chr12-32792427-G-T. GRCh37 (hg19) VCF-style: chr12-32945361-G-T.
Other names: c.2321C>A, p.Thr774Asn (NM_001407155.1); c.2346C>A, p.Asp782Glu (NM_001407156.1); c.2184C>A, p.Asp728Glu (NM_001407158.1, NM_001407159.1); c.1994C>A, p.Thr665Asn (NM_001407160.1); c.2643C>A, p.Asp881Glu (NM_004572.4); short protein forms D728E, D782E, D837E, D881E, T665N, T774N.
Identifiers: ClinVar variation 3387460 (VCV003387460.1).
Genomic context (GRCh38, chr12:32,792,427, plus strand): 5'-AAAAATAGGTGTTTTCCTTTGGGGATTTTTGCAGCCGAGAATACTTTGTCATTTTCCTCA[G>T]TCTTTAAGGGAGTGGTAGGCTTTGGCAGTCCGGCTGTTGACAAAATCTGTCTTCTTAAAC-3'
Protein context (NP_001005242.2, residues 827-837): RTAKAYHSLK[Asp837Glu]

ClinVar aggregate classification (germline): Uncertain significance (1 of 4 stars; one submission).

Conditions:
Arrhythmogenic right ventricular cardiomyopathy (ARVD). Also called: Arrhythmogenic right ventricular dysplasia; Cardiomyopathy, ARVC; Arrhythmogenic cardiomyopathy; Arrhythmogenic Right Ventricular Cardiomyopathy (ARVC). Identifiers: Orphanet 247, MedGen C0349788, MeSH D019571, MONDO:0016587. Disease mechanism: loss of function. Inheritance: Various modes of inheritance.

Submission:

All of Us Research Program, National Institutes of Health
Classification: Uncertain significance for Arrhythmogenic right ventricular cardiomyopathy. Last evaluated: 2024-03-24. Review status: criteria provided, single submitter. Criteria: ACMG Guidelines, 2015. Collection method: clinical testing. Allele origin: germline. Inheritance: Autosomal dominant inheritance. Observed: 1 variant allele, 1 heterozygote.
Comment: This missense variant replaces aspartic acid with glutamic acid at codon 881 of the PKP2 protein. Computational prediction suggests that this variant may not impact protein structure and function (internally defined REVEL score threshold <= 0.5, PMID: 27666373). To our knowledge, functional studies have not been reported for this variant. This variant has not been reported in individuals affected with PKP2-related disorders in the literature. This variant has not been identified in the general population by the Genome Aggregation Database (gnomAD). The available evidence is insufficient to determine the role of this variant in disease conclusively. Therefore, this variant is classified as a Variant of Uncertain Significance.

This study involves interpretation of variants in research participants for the purpose of population health screening. Participant phenotype was not available at the time of variant classification. Additional details can be found in publication PMID: 35346344, PMCID: PMC8962531